The following is an entry in ClinVar:

ClinVar aggregate classification (germline): Conflicting classifications of pathogenicity. Review status: criteria provided, conflicting classifications (1 of 4 stars). 5 submissions from 2 submitters: Uncertain significance (3); Benign (1); Likely benign (1). Last evaluated 2025-03-17.

Conditions:
Krabbe disease due to saposin A deficiency. Also called: Saposin A Deficiency; KRABBE DISEASE, ATYPICAL, DUE TO SAPOSIN A DEFICIENCY. Identifiers: Orphanet 487, MedGen C2673266, MONDO:0012720, OMIM 611722.
Combined PSAP deficiency (PSAPD). Also called: COMBINED SAP DEFICIENCY; PROSAPOSIN DEFICIENCY; Encephalopathy due to prosaposin deficiency. Identifiers: Orphanet 139406, MedGen C2673635, MONDO:0012719, OMIM 611721.
Gaucher disease due to saposin C deficiency. Also called: Atypical Gaucher disease due to saposin C deficiency; Saposin C Deficiency. Identifiers: Orphanet 309252, Orphanet 355, MedGen C1864651, MONDO:0012517, OMIM 610539.
Sphingolipid activator protein 1 deficiency. Also called: Saposin B Deficiency; METACHROMATIC LEUKODYSTROPHY DUE TO CEREBROSIDE SULFATASE ACTIVATOR DEFICIENCY; Metachromatic leukodystrophy due to saposin B deficiency. Identifiers: Orphanet 512, MedGen C0268262, MONDO:0009590, OMIM 249900.

Allele frequency attached by ClinVar (database versions not stated): gnomAD below 0.00001 and 0.00001; TOPMed 0.00001; gnomAD exomes 0.00005 and 0.00010; ExAC 0.00010; 1000 Genomes Project 30x 0.00016; 1000 Genomes Project 0.00020.
gnomAD v4.1: 75 of 1,613,982 alleles (0.0046%); highest among the groups gnomAD compares: South Asian, 0.078%; no homozygotes.

Submissions (5):

Labcorp Genetics (formerly Invitae), Labcorp
Classification: Likely benign for Sphingolipid activator protein 1 deficiency. Last evaluated: 2025-03-17. Review status: criteria provided, single submitter. Criteria: Invitae Variant Classification Sherloc (09022015). Collection method: clinical testing. Allele origin: germline.

Illumina Laboratory Services, Illumina
Classification: Uncertain significance for Sphingolipid activator protein 1 deficiency. Last evaluated: 2018-01-13. Review status: criteria provided, single submitter. Criteria: ICSL Variant Classification Criteria 13 December 2019. Collection method: clinical testing. Allele origin: germline.

Illumina Laboratory Services, Illumina
Classification: Uncertain significance for Krabbe disease due to saposin A deficiency. Last evaluated: 2018-01-13. Review status: criteria provided, single submitter. Criteria: ICSL Variant Classification Criteria 13 December 2019. Collection method: clinical testing. Allele origin: germline.

Illumina Laboratory Services, Illumina
Classification: Uncertain significance for Combined PSAP deficiency. Last evaluated: 2018-01-13. Review status: criteria provided, single submitter. Criteria: ICSL Variant Classification Criteria 13 December 2019. Collection method: clinical testing. Allele origin: germline.

Illumina Laboratory Services, Illumina
Classification: Benign for Gaucher disease due to saposin C deficiency. Last evaluated: 2018-01-13. Review status: criteria provided, single submitter. Criteria: ICSL Variant Classification Criteria 13 December 2019. Collection method: clinical testing. Allele origin: germline.
Comment: This variant was observed in the ICSL laboratory as part of a predisposition screen in an ostensibly healthy population. It had not been previously curated by ICSL or reported in the Human Gene Mutation Database (HGMD: prior to June 1st, 2018), and was therefore a candidate for classification through an automated scoring system. Utilizing variant allele frequency, disease prevalence and penetrance estimates, and inheritance mode, an automated score was calculated to assess if this variant is too frequent to cause the disease. Based on the score and internal cut-off values, a variant classified as benign is not then subjected to further curation. The score for this variant resulted in a classification of benign for this disease.

NM_002778.4(PSAP):c.1012A>G (p.Ile338Val)

Gene: PSAP (prosaposin; minus strand). Cytogenetic location: 10q22.1.
Variant type: single nucleotide variant.
Coding change: c.1012A>G on transcript NM_002778.4 (MANE Select); coding-DNA position 1012, A replaced by G.
Protein change: p.Ile338Val; replaces isoleucine 338 with valine.
Molecular consequence: missense variant.
Genome position (GRCh38, 1-based): chr10:71,819,894, T>C on the plus strand (A>G on the coding strand, the complement: PSAP is on the minus strand). VCF-style: chr10-71819894-T-C. GRCh37 (hg19) VCF-style: chr10-73579651-T-C.
Other names: c.1021A>G, p.Ile341Val (NM_001042465.3); c.1018A>G, p.Ile340Val (NM_001042466.3); short protein forms I341V, I338V, I340V.
Identifiers: ClinVar variation 300517 (VCV000300517.6), dbSNP rs544300820, ClinGen allele CA5547512.